The following is an entry in ClinVar:

ClinVar aggregate classification (germline): Uncertain significance (1 of 4 stars; one submission).

Conditions:
Neuronopathy, distal hereditary motor, autosomal recessive 5. Also called: Young adult-onset distal hereditary motor neuropathy; Spinal muscular atrophy, distal, autosomal recessive, 5; NEUROPATHY, DISTAL HEREDITARY MOTOR, AUTOSOMAL RECESSIVE 5. Identifiers: Orphanet 314485, Orphanet 443950, MedGen C4749918, MONDO:0013947, OMIM 614881.

Submission:

Labcorp Genetics (formerly Invitae), Labcorp
Classification: Uncertain significance for Neuronopathy, distal hereditary motor, autosomal recessive 5. Last evaluated: 2022-06-20. Review status: criteria provided, single submitter. Criteria: Invitae Variant Classification Sherloc (09022015). Collection method: clinical testing. Allele origin: germline.
Comment: This variant is not present in population databases (gnomAD no frequency). In summary, the available evidence is currently insufficient to determine the role of this variant in disease. Therefore, it has been classified as a Variant of Uncertain Significance. Algorithms developed to predict the effect of missense changes on protein structure and function (SIFT, PolyPhen-2, Align-GVGD) all suggest that this variant is likely to be tolerated. This variant has not been reported in the literature in individuals affected with DNAJB2-related conditions. This sequence change replaces alanine, which is neutral and non-polar, with threonine, which is neutral and polar, at codon 2 of the DNAJB2 protein (p.Ala2Thr).

NM_006736.6(DNAJB2):c.4G>A (p.Ala2Thr)

Gene: DNAJB2 (DnaJ heat shock protein family (Hsp40) member B2; plus strand). Cytogenetic location: 2q35.
Variant type: single nucleotide variant.
Coding change: c.4G>A on transcript NM_006736.6 (MANE Select); coding-DNA position 4, G replaced by A.
Protein change: p.Ala2Thr; replaces alanine 2 with threonine.
Molecular consequence: missense variant.
Genome position (GRCh38, 1-based): chr2:219,279,837, G>A. VCF-style: chr2-219279837-G-A. GRCh37 (hg19) VCF-style: chr2-220144559-G-A.
Other names: c.4G>A, p.Ala2Thr (NM_001039550.2); short protein forms A2T.
Identifiers: ClinVar variation 1509173 (VCV001509173.8), dbSNP rs2125081450, ClinGen allele CA350645878.